The following is an entry in ClinVar:

ClinVar aggregate classification (germline): Uncertain significance (1 of 4 stars; one submission).

Conditions:
Hypochondroplasia (HCH). Identifiers: Orphanet 429, MedGen C0410529, MONDO:0007793, OMIM 146000. Disease mechanism: gain of function.
Crouzon syndrome-acanthosis nigricans syndrome. Also called: CROUZONODERMOSKELETAL SYNDROME. Identifiers: Orphanet 93262, MedGen C2677099, MONDO:0012833, OMIM 612247.
Lacrimoauriculodentodigital syndrome 2 (LADD2). Also called: LADD SYNDROME 2. Identifiers: MedGen C5774286, MONDO:0859577, OMIM 620192.
Cervical cancer. Also called: Cancer of cervix; Cervix cancer; Cervical cancer, somatic. Identifiers: MedGen C4048328, MONDO:0002974, OMIM 603956, HP:0030079.
Malignant tumor of urinary bladder. Also called: Bladder cancer; Urinary Bladder Neoplasms; Urinary bladder cancer. Identifiers: MedGen C0005684, MONDO:0001187, OMIM 109800.
Muenke syndrome (MNKES). Also called: MUENKE NONSYNDROMIC CORONAL CRANIOSYNOSTOSIS. Identifiers: Orphanet 53271, MedGen C1864436, MONDO:0011274, OMIM 602849.
Camptodactyly-tall stature-scoliosis-hearing loss syndrome. Also called: CATSHL SYNDROME. Identifiers: Orphanet 85164, MedGen C1864852, MONDO:0012504, OMIM 610474.
Germ cell tumor of testis (TGCT). Also called: GERM CELL TUMOR, SOMATIC; Testicular germ cell tumor. Identifiers: Orphanet 363504, MedGen C1336708, MONDO:0010108, OMIM 273300.
Colorectal cancer. Also called: Colorectal cancer, somatic; Malignant Colorectal Neoplasm. Identifiers: MedGen C0346629, MONDO:0005575, OMIM 114500.
Severe achondroplasia-developmental delay-acanthosis nigricans syndrome. Also called: Severe achondroplasia with developmental delay and acanthosis nigricans; SADDAN dysplasia. Identifiers: Orphanet 85165, MedGen C2674173, MONDO:0014658, OMIM 616482.
Epidermal nevus. Also called: NEVUS, KERATINOCYTIC, NONEPIDERMOLYTIC; Nevus, epidermal, somatic. Identifiers: Orphanet 79414, MedGen C0334082, MONDO:0008093, OMIM 162900, HP:0010816.
Thanatophoric dysplasia type 1 (TD1). Also called: Thanatophoric Dysplasia Type 1 (TD Type 1); PLATYSPONDYLIC LETHAL SKELETAL DYSPLASIA, SAN DIEGO TYPE; LETHAL SHORT-LIMBED PLATYSPONDYLIC DWARFISM, SAN DIEGO TYPE. Identifiers: Orphanet 1860, Orphanet 2655, MedGen C1868678, MONDO:0008546, OMIM 187600. Disease mechanism: gain of function.
Thanatophoric dysplasia, type 2 (TD2). Also called: CLOVERLEAF SKULL WITH THANATOPHORIC DWARFISM; Thanatophoric Dysplasia Type 2 (TD Type 2); THANATOPHORIC DYSPLASIA WITH KLEEBLATTSCHAEDEL; THANATOPHORIC DYSPLASIA WITH STRAIGHT FEMURS AND CLOVERLEAF SKULL. Identifiers: Orphanet 2655, Orphanet 93274, MedGen C1300257, MONDO:0008547, OMIM 187601. Disease mechanism: gain of function.
Achondroplasia (ACH). Also called: Achondroplastic dwarfism. Identifiers: Orphanet 15, MedGen C0001080, MONDO:0007037, OMIM 100800. Disease mechanism: gain of function.

gnomAD v4.1: 3 of 1,612,774 alleles (0.00019%); highest among the groups gnomAD compares: South Asian, 0.0011%; no homozygotes.

Submission:

Juno Genomics, Hangzhou Juno Genomics, Inc
Classification: Uncertain significance for Thanatophoric dysplasia type 1; Thanatophoric dysplasia, type 2; Lacrimoauriculodentodigital syndrome 2; Achondroplasia; Malignant tumor of urinary bladder; Camptodactyly-tall stature-scoliosis-hearing loss syndrome; Cervical cancer; Colorectal cancer; Crouzon syndrome-acanthosis nigricans syndrome; Hypochondroplasia; Muenke syndrome; Epidermal nevus; Severe achondroplasia-developmental delay-acanthosis nigricans syndrome; Germ cell tumor of testis. Review status: criteria provided, single submitter. Criteria: ACMG Guidelines, 2015. Collection method: clinical testing. Allele origin: germline.
Comment: Absent from controls (or at extremely low frequency if recessive) in Genome Aggregation Database.;Multiple lines of computational evidence support a deleterious effect on the gene or gene product.

NM_000142.5(FGFR3):c.1769C>T (p.Thr590Ile)

Gene: FGFR3 (fibroblast growth factor receptor 3; plus strand). Cytogenetic location: 4p16.3.
Variant type: single nucleotide variant.
Coding change: c.1769C>T on transcript NM_000142.5 (MANE Select); coding-DNA position 1769, C replaced by T.
Protein change: p.Thr590Ile; replaces threonine 590 with isoleucine.
Molecular consequence: missense variant. On other transcripts: non-coding transcript variant (1).
Genome position (GRCh38, 1-based): chr4:1,805,873, C>T. VCF-style: chr4-1805873-C-T. GRCh37 (hg19) VCF-style: chr4-1807600-C-T.
Other names: c.1775C>T, p.Thr592Ile (NM_001163213.2); c.1772C>T, p.Thr591Ile (NM_001354809.2, NM_001354810.2); c.1433C>T, p.Thr478Ile (NM_022965.4); short protein forms T590I, T592I, T478I, T591I.
Identifiers: ClinVar variation 5006754 (VCV005006754.2).